The following is an entry in ClinVar:

ClinVar aggregate classification (germline): Likely pathogenic (1 of 4 stars; one submission).

Conditions:
PKD1-related disorder. Also called: PKD1-related condition.

Submission:

PreventionGenetics, part of Exact Sciences
Classification: Likely pathogenic for PKD1-related condition. Last evaluated: 2026-08-20. Review status: criteria provided, single submitter. Criteria: ACMG Guidelines, 2015. Collection method: clinical testing. Allele origin: germline.
Comment: The PKD1 c.3917_3918dupCC variant is predicted to result in a frameshift and premature protein termination (p.Thr1307Profs*40). To our knowledge, this variant has not been reported in the literature or in a large population database (gnomAD), indicating this variant is rare. Frameshift variants in PKD1 are expected to be pathogenic. This variant is interpreted as likely pathogenic.

NM_001009944.3(PKD1):c.3917_3918dup (p.Thr1307fs)

Gene: PKD1 (polycystin 1, transient receptor potential channel interacting; minus strand). Cytogenetic location: 16p13.3.
Variant type: Duplication.
Coding change: c.3917_3918dup on transcript NM_001009944.3 (MANE Select); coding-DNA positions 3917 to 3918, 2 bases duplicated (CC; older notation c.3917_3918dupCC).
Protein change: p.Thr1307fs; shifts the reading frame from threonine 1307.
Molecular consequence: frameshift variant.
Genome position (GRCh38, 1-based): chr16:2,111,249-2,111,250, GG duplicated on the plus strand (CC on the coding strand, the reverse complement: PKD1 is on the minus strand); duplicating any 2 consecutive bases within chr16:2,111,249-2,111,252 gives the same sequence; the c. name uses the placement nearest the transcript's 3' end. VCF-style (leftmost placement, unchanged base first): chr16-2111248-T-TGG. GRCh37 (hg19) VCF-style: chr16-2161249-T-TGG.
Other names: c.3917_3918dupCC (NM_001009944.2); c.3917_3918dup, p.Thr1307fs (NM_000296.4); short protein forms T1307fs.
Identifiers: ClinVar variation 4996093 (VCV004996093.1).